The following is an entry in ClinVar:

NM_001378974.1(FBXW11):c.427G>T (p.Ala143Ser)

Gene: FBXW11 (F-box and WD repeat domain containing 11; minus strand). Cytogenetic location: 5q35.1.
Variant type: single nucleotide variant.
Coding change: c.427G>T on transcript NM_001378974.1 (MANE Select); coding-DNA position 427, G replaced by T.
Protein change: p.Ala143Ser; replaces alanine 143 with serine.
Molecular consequence: missense variant.
Genome position (GRCh38, 1-based): chr5:171,910,581, C>A on the plus strand (G>T on the coding strand, the complement: FBXW11 is on the minus strand). VCF-style: chr5-171910581-C-A. GRCh37 (hg19) VCF-style: chr5-171337585-C-A.
Other names: c.364G>T, p.Ala122Ser (NM_001378975.1, NM_012300.3); c.331G>T, p.Ala111Ser (NM_001378976.1); c.268G>T, p.Ala90Ser (NM_001378977.1, NM_001378978.1, NM_001378979.1); c.262G>T, p.Ala88Ser (NM_001378980.1, NM_033645.3); c.325G>T, p.Ala109Ser (NM_033644.3); short protein forms A109S, A111S, A122S, A143S, A88S, A90S.
Identifiers: ClinVar variation 3381302 (VCV003381302.1).

ClinVar aggregate classification (germline): Uncertain significance (1 of 4 stars; one submission).

Submission:

GeneDx
Classification: Uncertain significance. Last evaluated: 2024-05-22. Review status: criteria provided, single submitter. Criteria: GeneDx Variant Classification Process June 2021. Collection method: clinical testing. Allele origin: germline. Affected: yes.
Comment: Not observed at significant frequency in large population cohorts (gnomAD); In silico analysis indicates that this missense variant does not alter protein structure/function; Has not been previously published as pathogenic or benign to our knowledge